The following is an entry in ClinVar:

NM_016151.4(TAOK2):c.2816C>T (p.Pro939Leu)

Gene: TAOK2 (TAO kinase 2; plus strand). Cytogenetic location: 16p11.2.
Variant type: single nucleotide variant.
Coding change: c.2816C>T on transcript NM_016151.4 (MANE Select); coding-DNA position 2816, C replaced by T.
Protein change: p.Pro939Leu; replaces proline 939 with leucine.
Molecular consequence: missense variant. On other transcripts: intron variant (1).
Genome position (GRCh38, 1-based): chr16:29,987,088, C>T. VCF-style: chr16-29987088-C-T. GRCh37 (hg19) VCF-style: chr16-29998409-C-T.
Other names: c.2477C>T, p.Pro826Leu (NM_001252043.2); c.2232+584C>T (NM_004783.4); c.2816C>T (NM_016151.2); short protein forms P939L, P826L.
Identifiers: ClinVar variation 1387677 (VCV001387677.7), dbSNP rs1468639624, ClinGen allele CA395496641.

ClinVar aggregate classification (germline): Uncertain significance. Review status: criteria provided, multiple submitters, no conflicts (2 of 4 stars). 2 submissions from 2 submitters: Uncertain significance (2). Last evaluated 2025-11-26.

Allele frequency attached by ClinVar (database versions not stated): gnomAD exomes below 0.00001; TOPMed below 0.00001.

Submissions (2):

Labcorp Genetics (formerly Invitae), Labcorp
Classification: Uncertain significance. Last evaluated: 2025-11-26. Review status: criteria provided, single submitter. Criteria: Invitae Variant Classification Sherloc (09022015). Collection method: clinical testing. Allele origin: germline.
Comment: This sequence change replaces proline, which is neutral and non-polar, with leucine, which is neutral and non-polar, at codon 939 of the TAOK2 protein (p.Pro939Leu). This variant is not present in population databases (gnomAD no frequency). This variant has not been reported in the literature in individuals affected with TAOK2-related conditions. ClinVar contains an entry for this variant (Variation ID: 1387677). An algorithm developed to predict the effect of missense changes on protein structure and function outputs the following: PolyPhen-2: "Benign". The leucine amino acid residue is found in multiple mammalian species, which suggests that this missense change does not adversely affect protein function. In summary, the available evidence is currently insufficient to determine the role of this variant in disease. Therefore, it has been classified as a Variant of Uncertain Significance.

Ambry Genetics
Classification: Uncertain significance. Last evaluated: 2022-03-16. Review status: criteria provided, single submitter. Criteria: Ambry Variant Classification Scheme 2023. Collection method: clinical testing. Allele origin: germline.